The following is an entry in ClinVar:

NM_021072.4(HCN1):c.261C>G (p.Pro87=)

Gene: HCN1 (hyperpolarization activated cyclic nucleotide gated potassium channel 1; minus strand). Cytogenetic location: 5p12.
Variant type: single nucleotide variant.
Coding change: c.261C>G on transcript NM_021072.4 (MANE Select); coding-DNA position 261, C replaced by G.
Protein change: p.Pro87=; no amino-acid change (proline 87 retained).
Molecular consequence: synonymous variant.
Genome position (GRCh38, 1-based): chr5:45,695,833, G>C on the plus strand (C>G on the coding strand, the complement: HCN1 is on the minus strand). VCF-style: chr5-45695833-G-C. GRCh37 (hg19) VCF-style: chr5-45695935-G-C.
Identifiers: ClinVar variation 530592 (VCV000530592.33), dbSNP rs199612501, ClinGen allele CA3259485.

ClinVar aggregate classification (germline): Benign/Likely benign. Review status: criteria provided, multiple submitters, no conflicts (2 of 4 stars). 4 submissions from 4 submitters: Benign (2); Likely benign (1). 1 of the submissions does not count toward it. Last evaluated 2025-12-13.

Conditions:
Early-infantile DEE. Also called: Early infantile epileptic encephalopathy; Ohtahara syndrome; Early infantile epileptic encephalopathy with suppression bursts. Identifiers: Orphanet 1934, MedGen C0393706, MONDO:0800491.
HCN1-related disorder. Also called: HCN1-related condition; HCN1-related disorders.
Inborn genetic diseases. Identifiers: MedGen C0950123, MeSH D030342.

Allele frequency attached by ClinVar (database versions not stated): gnomAD 0.00003 and 0.00013; TOPMed 0.00004; ESP Exome Variant Server 0.00008; gnomAD exomes 0.00021 and 0.00043; ExAC 0.00041; 1000 Genomes Project 30x 0.00094; 1000 Genomes Project 0.00120.
gnomAD v4.1: 313 of 1,604,048 alleles (0.02%); highest among the groups gnomAD compares: South Asian, 0.31%; 1 homozygote.

Submissions (4):

Labcorp Genetics (formerly Invitae), Labcorp
Classification: Benign for Early-infantile DEE. Last evaluated: 2025-12-13. Review status: criteria provided, single submitter. Criteria: Invitae Variant Classification Sherloc (09022015). Collection method: clinical testing. Allele origin: germline.

CeGaT Center for Human Genetics Tuebingen
Classification: Likely benign. Last evaluated: 2024-07-01. Review status: criteria provided, single submitter. Criteria: CeGaT Center For Human Genetics Tuebingen Variant Classification Criteria Version 2. Collection method: clinical testing. Allele origin: germline. Affected: yes. Observed: 1 variant allele.
Comment: HCN1: BP4, BP7

Ambry Genetics
Classification: Benign for Inborn genetic diseases. Last evaluated: 2019-02-11. Review status: criteria provided, single submitter. Criteria: Ambry Variant Classification Scheme 2023. Collection method: clinical testing. Allele origin: germline.

PreventionGenetics, part of Exact Sciences
Classification: Likely benign for HCN1-related condition. Last evaluated: 2019-09-06. Review status: no assertion criteria provided. Collection method: clinical testing. Allele origin: germline. Not counted in ClinVar's aggregate classification.
Comment: This variant is classified as likely benign based on ACMG/AMP sequence variant interpretation guidelines (Richards et al. 2015 PMID: 25741868, with internal and published modifications).